The following is an entry in ClinVar:

ClinVar aggregate classification (germline): Likely benign. Review status: criteria provided, multiple submitters, no conflicts (2 of 4 stars). 5 submissions from 5 submitters: Likely benign (3). 2 of the submissions do not count toward it. Last evaluated 2025-06-23.

Conditions:
Smith-Lemli-Opitz syndrome (SLOS). Also called: 7-Dehydrocholesterol reductase deficiency; LETHAL ACRODYSGENITAL SYNDROME; POLYDACTYLY, SEX REVERSAL, RENAL HYPOPLASIA, AND UNILOBAR LUNG; RSH SYNDROME; RUTLEDGE LETHAL MULTIPLE CONGENITAL ANOMALY SYNDROME. Identifiers: Orphanet 818, MedGen C0175694, MONDO:0010035, OMIM 270400.
DHCR7-related disorder. Also called: DHCR7-related condition.

Allele frequency attached by ClinVar (database versions not stated): TOPMed 0.00001; gnomAD exomes 0.00002 and 0.00004; gnomAD 0.00003 and 0.00004; ExAC 0.00007.
gnomAD v4.1: 34 of 1,610,430 alleles (0.0021%); highest among the groups gnomAD compares: Middle Eastern, 0.016%; no homozygotes.

Submissions (5):

Labcorp Genetics (formerly Invitae), Labcorp
Classification: Likely benign for Smith-Lemli-Opitz syndrome. Last evaluated: 2025-06-23. Review status: criteria provided, single submitter. Criteria: Invitae Variant Classification Sherloc (09022015). Collection method: clinical testing. Allele origin: germline.

Blueprint Genetics
Classification: Likely benign. Last evaluated: 2024-09-04. Review status: criteria provided, single submitter. Criteria: ACMG Guidelines, 2015. Collection method: clinical testing. Allele origin: germline.

CeGaT Center for Human Genetics Tuebingen
Classification: Likely benign. Last evaluated: 2023-05-01. Review status: criteria provided, single submitter. Criteria: CeGaT Center For Human Genetics Tuebingen Variant Classification Criteria Version 2. Collection method: clinical testing. Allele origin: germline. Affected: yes. Observed: 1 variant allele.
Comment: DHCR7: BP4, BP7

PreventionGenetics, part of Exact Sciences
Classification: Likely benign for DHCR7-related condition. Last evaluated: 2021-09-30. Review status: no assertion criteria provided. Collection method: clinical testing. Allele origin: germline. Not counted in ClinVar's aggregate classification.
Comment: This variant is classified as likely benign based on ACMG/AMP sequence variant interpretation guidelines (Richards et al. 2015 PMID: 25741868, with internal and published modifications).

Natera, Inc.
Classification: Likely benign for Smith-Lemli-Opitz syndrome. Last evaluated: 2020-01-20. Review status: no assertion criteria provided. Collection method: clinical testing. Allele origin: germline. Not counted in ClinVar's aggregate classification.

NM_001360.3(DHCR7):c.159C>T (p.Ile53=)

Gene: DHCR7 (7-dehydrocholesterol reductase; minus strand). Cytogenetic location: 11q13.4.
Variant type: single nucleotide variant.
Coding change: c.159C>T on transcript NM_001360.3 (MANE Select); coding-DNA position 159, C replaced by T.
Protein change: p.Ile53=; no amino-acid change (isoleucine 53 retained).
Molecular consequence: synonymous variant.
Genome position (GRCh38, 1-based): chr11:71,444,155, G>A on the plus strand (C>T on the coding strand, the complement: DHCR7 is on the minus strand). VCF-style: chr11-71444155-G-A. GRCh37 (hg19) VCF-style: chr11-71155201-G-A.
Other names: c.159C>T, p.Ile53= (NM_001163817.2).
Identifiers: ClinVar variation 528376 (VCV000528376.40), dbSNP rs752952700, ClinGen allele CA6162675.